The following is an entry in ClinVar:

NM_005257.6(GATA6):c.1063G>T (p.Glu355Ter)

Gene: GATA6 (GATA binding protein 6; plus strand). Cytogenetic location: 18q11.2.
Variant type: single nucleotide variant.
Coding change: c.1063G>T on transcript NM_005257.6 (MANE Select); coding-DNA position 1063, G replaced by T.
Protein change: p.Glu355Ter; replaces glutamic acid 355 with a stop codon.
Molecular consequence: nonsense.
Genome position (GRCh38, 1-based): chr18:22,172,207, G>T. VCF-style: chr18-22172207-G-T. GRCh37 (hg19) VCF-style: chr18-19752168-G-T.
Other names: short protein forms E355*.
Identifiers: ClinVar variation 4850730 (VCV004850730.1).

ClinVar aggregate classification (germline): Pathogenic (1 of 4 stars; one submission).

Conditions:
Autosomal dominant GATA6-related disorders.

Submission:

Variantyx, Inc.
Classification: Pathogenic for Autosomal dominant GATA6-related disorders. Last evaluated: 2025-10-31. Review status: criteria provided, single submitter. Criteria: Variantyx Assertion Criteria 2022. Collection method: clinical testing. Allele origin: de novo. Inheritance: Autosomal dominant inheritance. Affected: yes.
Comment: This is a nonsense variant in the GATA6 gene (OMIM: 601656). Pathogenic variants in this gene have been associated with autosomal dominant GATA6-related disorders. The alteration introduces a premature termination codon in exon 2 out of 7 and is expected to result in loss of function, which is a known disease mechanism for GATA6 in these disorders (PMID: 22158542, 24310933) (PVS1). This variant is absent from control populations (PM2) and it has not been previously reported in individuals with GATA6-related disorders in the databases available for review. Based on the current evidence, this variant is classified as pathogenic for autosomal dominant GATA6-related disorders.

Literature cited by the submitters: PubMed 22158542; PubMed 24310933.